The following is an entry in ClinVar:

ClinVar aggregate classification (germline): Likely benign (1 of 4 stars; one submission).

Allele frequency attached by ClinVar (database versions not stated): gnomAD exomes 0.00001; TOPMed 0.00006; gnomAD 0.00007.
gnomAD v4.1: 27 of 1,614,104 alleles (0.0017%); highest among the groups gnomAD compares: Non-Finnish European, 0.0021%; no homozygotes.

Submission:

CeGaT Center for Human Genetics Tuebingen
Classification: Likely benign. Last evaluated: 2024-03-01. Review status: criteria provided, single submitter. Criteria: CeGaT Center For Human Genetics Tuebingen Variant Classification Criteria Version 2. Collection method: clinical testing. Allele origin: germline. Affected: yes. Observed: 1 variant allele.
Comment: KMT2C: BP4

NM_170606.3(KMT2C):c.8076T>A (p.Asp2692Glu)

Gene: KMT2C (lysine methyltransferase 2C; minus strand). Cytogenetic location: 7q36.1.
Variant type: single nucleotide variant.
Coding change: c.8076T>A on transcript NM_170606.3 (MANE Select); coding-DNA position 8076, T replaced by A.
Protein change: p.Asp2692Glu; replaces aspartic acid 2692 with glutamic acid.
Molecular consequence: missense variant.
Genome position (GRCh38, 1-based): chr7:152,177,377, A>T on the plus strand (T>A on the coding strand, the complement: KMT2C is on the minus strand). VCF-style: chr7-152177377-A-T. GRCh37 (hg19) VCF-style: chr7-151874462-A-T.
Other names: short protein forms D2692E.
Identifiers: ClinVar variation 3067302 (VCV003067302.21), dbSNP rs927684458, ClinGen allele CA169205950.